The following is an entry in ClinVar:

ClinVar aggregate classification (germline): Conflicting classifications of pathogenicity. Review status: criteria provided, conflicting classifications (1 of 4 stars). 4 submissions from 4 submitters: Uncertain significance (1); Likely benign (3). Last evaluated 2026-05-21.

Conditions:
Connective tissue disorder. Also called: Connective tissue disease. Identifiers: MedGen C0009782, MONDO:0003900.

Allele frequency attached by ClinVar (database versions not stated): gnomAD 0.00007 and 0.00009; TOPMed 0.00014; 1000 Genomes Project 30x 0.00016; 1000 Genomes Project 0.00020; gnomAD exomes 0.00024; ExAC 0.00044.

Submissions (4):

Women's Health and Genetics/Laboratory Corporation of America, LabCorp
Classification: Likely benign. Last evaluated: 2026-05-21. Review status: criteria provided, single submitter. Criteria: LabCorp Variant Classification Summary - May 2015. Collection method: clinical testing. Allele origin: germline.
Comment: Variant summary: COL9A1 c.1946G>C (p.Gly649Ala) results in a non-conservative amino acid change in the encoded protein sequence. Algorithms developed to predict the effect of missense changes on protein structure and function all suggest that this variant is likely to be disruptive. The variant allele was found at a frequency of 0.00024 in 219374 control chromosomes, predominantly at a frequency of 0.0031 within the East Asian subpopulation in the gnomAD database. The observed variant frequency within East Asian control individuals in the gnomAD database exceeds the estimated maximal expected allele frequency for disease-causing variants in COL9A1. To our knowledge, no occurrence of c.1946G>C in individuals affected with COL9A1-related conditions and no experimental evidence demonstrating its impact on protein function have been reported. ClinVar contains an entry for this variant (Variation ID: 1535192). Based on the evidence outlined above, the variant was classified as likely benign.

Labcorp Genetics (formerly Invitae), Labcorp
Classification: Likely benign. Last evaluated: 2025-11-03. Review status: criteria provided, single submitter. Criteria: Invitae Variant Classification Sherloc (09022015). Collection method: clinical testing. Allele origin: germline.

Blueprint Genetics
Classification: Likely benign. Last evaluated: 2023-12-20. Review status: criteria provided, single submitter. Criteria: ACMG Guidelines, 2015. Collection method: clinical testing. Allele origin: germline.

Genome Diagnostics Laboratory, The Hospital for Sick Children
Classification: Uncertain significance for Connective tissue disorder. Last evaluated: 2019-06-01. Review status: criteria provided, single submitter. Criteria: ACMG Guidelines, 2015. Collection method: clinical testing. Allele origin: germline.

NM_001851.6(COL9A1):c.1946G>C (p.Gly649Ala)

Gene: COL9A1 (collagen type IX alpha 1 chain; minus strand). Cytogenetic location: 6q13.
Variant type: single nucleotide variant.
Coding change: c.1946G>C on transcript NM_001851.6 (MANE Select); coding-DNA position 1946, G replaced by C.
Protein change: p.Gly649Ala; replaces glycine 649 with alanine.
Molecular consequence: missense variant. On other transcripts: non-coding transcript variant (1).
Genome position (GRCh38, 1-based): chr6:70,242,016, C>G on the plus strand (G>C on the coding strand, the complement: COL9A1 is on the minus strand). VCF-style: chr6-70242016-C-G. GRCh37 (hg19) VCF-style: chr6-70951719-C-G.
Other names: c.1247G>C, p.Gly416Ala (NM_001377289.1); c.1217G>C, p.Gly406Ala (NM_001377290.1, NM_078485.4); short protein forms G406A, G416A, G649A.
Identifiers: ClinVar variation 1535192 (VCV001535192.13), dbSNP rs201480339, ClinGen allele CA3881944.